The following is an entry in ClinVar:

ClinVar aggregate classification (germline): Pathogenic/Likely pathogenic. Review status: criteria provided, multiple submitters, no conflicts (2 of 4 stars). 2 submissions from 2 submitters: Pathogenic (1); Likely pathogenic (1). Last evaluated 2025-03-22.

Conditions:
Senior-Loken syndrome 9 (SLSN9). Identifiers: Orphanet 3156, MedGen C4225263, MONDO:0014712, OMIM 616629.

Allele frequency attached by ClinVar (database versions not stated): gnomAD exomes 0.00001.

Submissions (2):

Labcorp Genetics (formerly Invitae), Labcorp
Classification: Pathogenic. Last evaluated: 2025-03-22. Review status: criteria provided, single submitter. Criteria: Invitae Variant Classification Sherloc (09022015). Collection method: clinical testing. Allele origin: germline.
Comment: This sequence change creates a premature translational stop signal (p.Gln184Argfs*4) in the TRAF3IP1 gene. It is expected to result in an absent or disrupted protein product. Loss-of-function variants in TRAF3IP1 are known to be pathogenic (PMID: 21945076, 26487268, 29068549). This variant is present in population databases (no rsID available, gnomAD 0.006%). This variant has not been reported in the literature in individuals affected with TRAF3IP1-related conditions. ClinVar contains an entry for this variant (Variation ID: 3235031). For these reasons, this variant has been classified as Pathogenic.

Neuberg Centre For Genomic Medicine, NCGM
Classification: Likely pathogenic for Senior-Loken syndrome 9. Review status: criteria provided, single submitter. Criteria: ACMG Guidelines, 2015. Collection method: clinical testing. Allele origin: germline. Inheritance: Autosomal recessive inheritance. Affected: yes.
Comment: The stop gain c.2476C>T p.Gln826Ter variant in CCDC40 gene has not been reported previously as a pathogenic variant nor as a benign variant, to our knowledge. The c.2476C>T variant is novel not in any individuals in both gnomAD Exomes and 1000 Genomes databases. This variant has not been reported to the ClinVar database. The nucleotide change c.2476C>T in CCDC40 is predicted as conserved by GERP++ and PhyloP across 100 vertebrates. This variant is predicted to cause loss of normal protein function through protein truncation. Loss of function variants have been previously reported to be disease causing. For these reasons, this variant has been classified as Likely Pathogenic.

Literature cited by the submitters: PubMed 21945076 (cited by Labcorp Genetics (formerly Invitae), Labcorp); PubMed 26487268 (cited by Labcorp Genetics (formerly Invitae), Labcorp); PubMed 29068549 (cited by Labcorp Genetics (formerly Invitae), Labcorp).

NM_015650.4(TRAF3IP1):c.551_554del (p.Gln184fs)

Gene: TRAF3IP1 (TRAF3 interacting protein 1; plus strand). Cytogenetic location: 2q37.3.
Variant type: Deletion.
Coding change: c.551_554del on transcript NM_015650.4 (MANE Select); coding-DNA positions 551 to 554, 4 bases deleted (AGAA; older notation c.551_554delAGAA).
Protein change: p.Gln184fs; shifts the reading frame from glutamine 184.
Molecular consequence: frameshift variant.
Genome position (GRCh38, 1-based): chr2:238,328,978-238,328,981, AGAA deleted. VCF-style (leftmost placement, unchanged base first): chr2-238328977-CAGAA-C. GRCh37 (hg19) VCF-style: chr2-239237618-CAGAA-C.
Other names: c.551_554del, p.Gln184fs (NM_001139490.1); short protein forms Q184fs.
Identifiers: ClinVar variation 3235031 (VCV003235031.2), dbSNP rs1358016801, ClinGen allele CA540751102.